The following is an entry in ClinVar:

ClinVar aggregate classification (germline): Uncertain significance (1 of 4 stars; one submission).

Conditions:
Mowat-Wilson syndrome (MOWS). Also called: Classic Mowat-Wilson Syndrome. Identifiers: Orphanet 2152, MedGen C1856113, MONDO:0009341, OMIM 235730.

Allele frequency attached by ClinVar (database versions not stated): gnomAD 0.00001; gnomAD exomes 0.00001; TOPMed 0.00001.
gnomAD v4.1: 15 of 1,614,066 alleles (0.00093%); highest among the groups gnomAD compares: South Asian, 0.0077%; no homozygotes.

Submission:

Labcorp Genetics (formerly Invitae), Labcorp
Classification: Uncertain significance for Mowat-Wilson syndrome. Last evaluated: 2023-03-16. Review status: criteria provided, single submitter. Criteria: Invitae Variant Classification Sherloc (09022015). Collection method: clinical testing. Allele origin: germline.
Comment: In summary, the available evidence is currently insufficient to determine the role of this variant in disease. Therefore, it has been classified as a Variant of Uncertain Significance. Advanced modeling of protein sequence and biophysical properties (such as structural, functional, and spatial information, amino acid conservation, physicochemical variation, residue mobility, and thermodynamic stability) performed at Invitae indicates that this missense variant is expected to disrupt ZEB2 protein function. This variant has not been reported in the literature in individuals affected with ZEB2-related conditions. This variant is not present in population databases (gnomAD no frequency). This sequence change replaces arginine, which is basic and polar, with cysteine, which is neutral and slightly polar, at codon 185 of the ZEB2 protein (p.Arg185Cys).

NM_014795.4(ZEB2):c.553C>T (p.Arg185Cys)

Genes: ZEB2 (zinc finger E-box binding homeobox 2; minus strand), LOC111721705 (skeletal muscle cis-regulatory module overlapping ZEB2; plus strand). Cytogenetic location: 2q22.3.
Variant type: single nucleotide variant.
Coding change: c.553C>T on transcript NM_014795.4 (MANE Select); coding-DNA position 553, C replaced by T.
Protein change: p.Arg185Cys; replaces arginine 185 with cysteine.
Molecular consequence: missense variant.
Genome position (GRCh38, 1-based): chr2:144,404,875, G>A on the plus strand (C>T on the coding strand, the complement: ZEB2 is on the minus strand). VCF-style: chr2-144404875-G-A. GRCh37 (hg19) VCF-style: chr2-145162442-G-A.
Other names: c.481C>T, p.Arg161Cys (NM_001171653.2); short protein forms R161C, R185C.
Identifiers: ClinVar variation 2908691 (VCV002908691.3), dbSNP rs755598619, ClinGen allele CA57562592.